The following is an entry in ClinVar:

NM_000722.4(CACNA2D1):c.2141+216C>G

Gene: CACNA2D1 (calcium voltage-gated channel auxiliary subunit alpha2delta 1; minus strand). Cytogenetic location: 7q21.11.
Variant type: single nucleotide variant.
Coding change: c.2141+216C>G on transcript NM_000722.4 (MANE Select); 216 bases into the intron after coding-DNA position 2141, C replaced by G.
Molecular consequence: intron variant.
Genome position (GRCh38, 1-based): chr7:81,971,561, G>C on the plus strand (C>G on the coding strand, the complement: CACNA2D1 is on the minus strand). VCF-style: chr7-81971561-G-C. GRCh37 (hg19) VCF-style: chr7-81600877-G-C.
Other names: c.2177+216C>G (NM_001366867.1).
Identifiers: ClinVar variation 681147 (VCV000681147.1), dbSNP rs116190113, ClinGen allele CA161124667.

ClinVar aggregate classification (germline): Likely benign (1 of 4 stars; one submission).

Allele frequency attached by ClinVar (database versions not stated): 1000 Genomes Project 0.00799; gnomAD 0.00810 and 0.00866; 1000 Genomes Project 30x 0.00843; TOPMed 0.00916.
gnomAD v4.1: 1,214 of 151,700 alleles (0.8%); highest among the groups gnomAD compares: African/African-American, 2.7%; 17 homozygotes.

Submission:

GeneDx
Classification: Likely benign. Last evaluated: 2018-06-14. Review status: criteria provided, single submitter. Criteria: GeneDx Variant Classification (06012015). Collection method: clinical testing. Allele origin: germline. Affected: yes.
Comment: This variant is considered likely benign or benign based on one or more of the following criteria: it is a conservative change, it occurs at a poorly conserved position in the protein, it is predicted to be benign by multiple in silico algorithms, and/or has population frequency not consistent with disease.